The following is an entry in ClinVar:

NM_001164665.2(KIAA1549):c.5507A>C (p.Gln1836Pro)

Gene: KIAA1549 (KIAA1549; minus strand). Cytogenetic location: 7q34.
Variant type: single nucleotide variant.
Coding change: c.5507A>C on transcript NM_001164665.2 (MANE Select); coding-DNA position 5507, A replaced by C.
Protein change: p.Gln1836Pro; replaces glutamine 1836 with proline.
Molecular consequence: missense variant.
Genome position (GRCh38, 1-based): chr7:138,840,224, T>G on the plus strand (A>C on the coding strand, the complement: KIAA1549 is on the minus strand). VCF-style: chr7-138840224-T-G. GRCh37 (hg19) VCF-style: chr7-138524969-T-G.
Other names: c.5507A>C, p.Gln1836Pro (NM_020910.3); short protein forms Q1836P.
Identifiers: ClinVar variation 958370 (VCV000958370.9), dbSNP rs1434454611, ClinGen allele CA369386096.

ClinVar aggregate classification (germline): Uncertain significance (1 of 4 stars; one submission).

Allele frequency attached by ClinVar (database versions not stated): gnomAD exomes below 0.00001; TOPMed below 0.00001.

Submission:

Labcorp Genetics (formerly Invitae), Labcorp
Classification: Uncertain significance. Last evaluated: 2025-05-08. Review status: criteria provided, single submitter. Criteria: Invitae Variant Classification Sherloc (09022015). Collection method: clinical testing. Allele origin: germline.
Comment: This sequence change replaces glutamine, which is neutral and polar, with proline, which is neutral and non-polar, at codon 1836 of the KIAA1549 protein (p.Gln1836Pro). This variant is present in population databases (no rsID available, gnomAD 0.009%). This variant has not been reported in the literature in individuals affected with KIAA1549-related conditions. ClinVar contains an entry for this variant (Variation ID: 958370). An algorithm developed to predict the effect of missense changes on protein structure and function (PolyPhen-2) suggests that this variant is likely to be tolerated. In summary, the available evidence is currently insufficient to determine the role of this variant in disease. Therefore, it has been classified as a Variant of Uncertain Significance.